The following is an entry in ClinVar:

NM_001164508.2(NEB):c.7661G>A (p.Gly2554Asp)

Gene: NEB (nebulin; minus strand). Cytogenetic location: 2q23.3.
Variant type: single nucleotide variant.
Coding change: c.7661G>A on transcript NM_001164508.2 (MANE Select); coding-DNA position 7661, G replaced by A.
Protein change: p.Gly2554Asp; replaces glycine 2554 with aspartic acid.
Molecular consequence: missense variant.
Genome position (GRCh38, 1-based): chr2:151,644,113, C>T on the plus strand (G>A on the coding strand, the complement: NEB is on the minus strand). VCF-style: chr2-151644113-C-T. GRCh37 (hg19) VCF-style: chr2-152500627-C-T.
Other names: c.7661G>A (NM_004543.4); c.7661G>A, p.Gly2554Asp (NM_001164507.2, NM_001271208.2, NM_004543.5); short protein forms G2554D.
Identifiers: ClinVar variation 1516432 (VCV001516432.6), dbSNP rs770338556, ClinGen allele CA57628597.
Genomic context (GRCh38, chr2:151,644,113, plus strand): 5'-ATCTTGGGGTCATCTTCAATGTTCCGGGCACCAATGTGGTGGCCGAGCTGCTTGCGAAAG[C>T]CTTCCTTGTACTTGTACTAGAGAAAAAAAATGTGTCTCATTCCTTTCAAAATTTACTTCT-3'
Protein context (NP_001157980.2, residues 2544-2564): EIASEYKYKE[Gly2554Asp]FRKQLGHHIG

ClinVar aggregate classification (germline): Uncertain significance. Review status: criteria provided, multiple submitters, no conflicts (2 of 4 stars). 2 submissions from 2 submitters: Uncertain significance (2). Last evaluated 2025-04-17.

Conditions:
Inborn genetic diseases. Identifiers: MedGen C0950123, MeSH D030342.
Nemaline myopathy 2 (NEM2). Also called: Nemaline myopathy 2, autosomal recessive. Identifiers: MedGen C1850569, MONDO:0009725, OMIM 256030.

Allele frequency attached by ClinVar (database versions not stated): gnomAD 0.00001; gnomAD exomes 0.00001; TOPMed 0.00001.
gnomAD v4.1: 19 of 1,613,702 alleles (0.0012%); highest among the groups gnomAD compares: Non-Finnish European, 0.0015%; no homozygotes.

Submissions (2):

Ambry Genetics
Classification: Uncertain significance for Inborn genetic diseases. Last evaluated: 2025-04-17. Review status: criteria provided, single submitter. Criteria: Ambry Variant Classification Scheme 2023. Collection method: clinical testing. Allele origin: germline.

Labcorp Genetics (formerly Invitae), Labcorp
Classification: Uncertain significance for Nemaline myopathy 2. Last evaluated: 2025-01-23. Review status: criteria provided, single submitter. Criteria: Invitae Variant Classification Sherloc (09022015). Collection method: clinical testing. Allele origin: germline.
Comment: This sequence change replaces glycine, which is neutral and non-polar, with aspartic acid, which is acidic and polar, at codon 2554 of the NEB protein (p.Gly2554Asp). This variant is present in population databases (rs770338556, gnomAD 0.004%). This variant has not been reported in the literature in individuals affected with NEB-related conditions. ClinVar contains an entry for this variant (Variation ID: 1516432). Experimental studies and prediction algorithms are not available or were not evaluated, and the functional significance of this variant is currently unknown. In summary, the available evidence is currently insufficient to determine the role of this variant in disease. Therefore, it has been classified as a Variant of Uncertain Significance.